The following is an entry in ClinVar:

NM_000018.4(ACADVL):c.466T>C (p.Cys156Arg)

Gene: ACADVL (acyl-CoA dehydrogenase very long chain; plus strand). Cytogenetic location: 17p13.1.
Variant type: single nucleotide variant.
Coding change: c.466T>C on transcript NM_000018.4 (MANE Select); coding-DNA position 466, T replaced by C.
Protein change: p.Cys156Arg; replaces cysteine 156 with arginine.
Molecular consequence: missense variant.
Genome position (GRCh38, 1-based): chr17:7,221,047, T>C. VCF-style: chr17-7221047-T-C. GRCh37 (hg19) VCF-style: chr17-7124366-T-C.
Other names: c.400T>C, p.Cys134Arg (NM_001033859.3); c.535T>C, p.Cys179Arg (NM_001270447.2); c.238T>C, p.Cys80Arg (NM_001270448.2); short protein forms C156R, C80R, C134R, C179R.
Identifiers: ClinVar variation 932858 (VCV000932858.2), dbSNP rs2071188725, ClinGen allele CA397722958.

ClinVar aggregate classification (germline): Uncertain significance (1 of 4 stars; one submission).

Conditions:
Very long chain acyl-CoA dehydrogenase deficiency (ACADVLD). Also called: Very Long-Chain Acyl-Coenzyme A Dehydrogenase Deficiency; VLCAD Deficiency. Identifiers: Orphanet 26793, MedGen C3887523, MONDO:0008723, OMIM 201475.

Allele frequency attached by ClinVar (database versions not stated): gnomAD exomes below 0.00001.
gnomAD v4.1: 5 of 1,613,758 alleles (0.00031%); highest among the groups gnomAD compares: Non-Finnish European, 0.00042%; no homozygotes.

Submission:

Wong Mito Lab, Molecular and Human Genetics, Baylor College of Medicine
Classification: Uncertain significance for Very long chain acyl-CoA dehydrogenase deficiency. Last evaluated: 2019-11-01. Review status: criteria provided, single submitter. Criteria: ACMG Guidelines, 2015. Collection method: clinical testing. Allele origin: germline.
Comment: The NM_000018.3:c.466T>C (NP_000009.1:p.Cys156Arg) [GRCH38: NC_000017.11:g.7221047T>C] variant in ACADVL gene is interpretated to be Uncertain Significance based on ACMG guidelines (PMID: 25741868). This variant has been reported. This variant meets the following evidence codes reported in the ACMG guidelines: PM1